The following is an entry in ClinVar:

NM_001127511.3(APC):c.-88_-77dup

Gene: APC (APC regulator of Wnt signaling pathway; plus strand). Cytogenetic location: 5q22.2.
Variant type: Duplication.
Coding change: c.-88_-77dup on transcript NM_001127511.3; 88 bases upstream of the start codon through 77 bases upstream of the start codon, 12 bases duplicated (TGGCTCGATGCT).
Molecular consequence: 5 prime UTR variant. On other transcripts: non-coding transcript variant (2).
Genome position (GRCh38, 1-based): chr5:112,707,630-112,707,641, TGGCTCGATGCT duplicated; duplicating any 12 consecutive bases within chr5:112,707,629-112,707,641 gives the same sequence; the c. name uses the placement nearest the transcript's 3' end. VCF-style (leftmost placement, unchanged base first): chr5-112707628-G-GTTGGCTCGATGC. GRCh37 (hg19) VCF-style: chr5-112043325-G-GTTGGCTCGATGC.
Other names: c.-38_-27dup (NM_001407457.1, NM_001407458.1, NM_001407448.1 and 1 more transcripts); c.-271_-260dup (NM_001407460.1, NM_001407469.1, NM_001354895.2 and 3 more transcripts); c.-1306_-1295dup (NM_001407470.1, NM_001407472.1); c.-88_-77dup (NM_001354897.2, NM_001354902.2, NM_001407446.1); c.-62_-51dup (NM_001407453.1).
Identifiers: ClinVar variation 2704100 (VCV002704100.3), dbSNP rs2531737022, ClinGen allele CA2697546389.

ClinVar aggregate classification (germline): Uncertain significance (1 of 4 stars; one submission).

Conditions:
Familial adenomatous polyposis 1 (FAP1). Also called: FAMILIAL ADENOMATOUS POLYPOSIS 1, ATTENUATED; POLYPOSIS, ADENOMATOUS INTESTINAL. Identifiers: MedGen C2713442, MONDO:0021056, OMIM 175100. Disease mechanism: loss of function.

Submission:

Labcorp Genetics (formerly Invitae), Labcorp
Classification: Uncertain significance for Familial adenomatous polyposis 1. Last evaluated: 2023-12-19. Review status: criteria provided, single submitter. Criteria: Invitae Variant Classification Sherloc (09022015). Collection method: clinical testing. Allele origin: germline.
Comment: This variant occurs in a non-coding region of the APC gene. It does not change the encoded amino acid sequence of the APC protein. This variant is not present in population databases (gnomAD no frequency). This variant has not been reported in the literature in individuals affected with APC-related conditions. Experimental studies and prediction algorithms are not available or were not evaluated, and the functional significance of this variant is currently unknown. In summary, the available evidence is currently insufficient to determine the role of this variant in disease. Therefore, it has been classified as a Variant of Uncertain Significance.